The following is an entry in ClinVar:

ClinVar aggregate classification (germline): Uncertain significance (1 of 4 stars; one submission).

Allele frequency attached by ClinVar (database versions not stated): ExAC 0.00005; ESP Exome Variant Server 0.00008; gnomAD exomes 0.00012 and 0.00015; TOPMed 0.00016; gnomAD 0.00017 and 0.00018.
gnomAD v4.1: 233 of 1,531,586 alleles (0.015%); highest among the groups gnomAD compares: Non-Finnish European, 0.018%; no homozygotes.

Submission:

Labcorp Genetics (formerly Invitae), Labcorp
Classification: Uncertain significance. Last evaluated: 2025-08-04. Review status: criteria provided, single submitter. Criteria: Invitae Variant Classification Sherloc (09022015). Collection method: clinical testing. Allele origin: germline.
Comment: This sequence change replaces tyrosine, which is neutral and polar, with cysteine, which is neutral and slightly polar, at codon 405 of the MMP13 protein (p.Tyr405Cys). This variant is present in population databases (rs190896822, gnomAD 0.02%). This variant has not been reported in the literature in individuals affected with MMP13-related conditions. ClinVar contains an entry for this variant (Variation ID: 1395068). An algorithm developed to predict the effect of missense changes on protein structure and function (PolyPhen-2) suggests that this variant is likely to be disruptive. In summary, the available evidence is currently insufficient to determine the role of this variant in disease. Therefore, it has been classified as a Variant of Uncertain Significance.

NM_002427.4(MMP13):c.1214A>G (p.Tyr405Cys)

Gene: MMP13 (matrix metallopeptidase 13; minus strand). Cytogenetic location: 11q22.2.
Variant type: single nucleotide variant.
Coding change: c.1214A>G on transcript NM_002427.4 (MANE Select); coding-DNA position 1214, A replaced by G.
Protein change: p.Tyr405Cys; replaces tyrosine 405 with cysteine.
Molecular consequence: missense variant.
Genome position (GRCh38, 1-based): chr11:102,945,747, T>C on the plus strand (A>G on the coding strand, the complement: MMP13 is on the minus strand). VCF-style: chr11-102945747-T-C. GRCh37 (hg19) VCF-style: chr11-102816476-T-C.
Other names: short protein forms Y405C.
Identifiers: ClinVar variation 1395068 (VCV001395068.8), dbSNP rs190896822, ClinGen allele CA6251737.
Genomic context (GRCh38, chr11:102,945,747, plus strand): 5'-GGGAAGTCTTCTTCTATTAGTCTCGGATAGTCTTTATCCATAATATGGTTAGTATCATCA[T>C]ATCTATTTAAAGAAAAAAAACTCCTAAGTCAGTTATATTTCTTAGAAAGTACCTTAGAAA-3'
Protein context (NP_002418.1, residues 395-415): LLFSGNQVWR[Tyr405Cys]DDTNHIMDKD